The following is an entry in ClinVar:

ClinVar aggregate classification (germline): Uncertain significance. Review status: criteria provided, multiple submitters, no conflicts (2 of 4 stars). 2 submissions from 2 submitters: Uncertain significance (2). Last evaluated 2023-05-08.

Conditions:
Inborn genetic diseases. Identifiers: MedGen C0950123, MeSH D030342.

Allele frequency attached by ClinVar (database versions not stated): gnomAD exomes below 0.00001.
gnomAD v4.1: 5 of 1,613,828 alleles (0.00031%); highest among the groups gnomAD compares: Non-Finnish European, 0.00042%; no homozygotes.

Submissions (2):

Ambry Genetics
Classification: Uncertain significance for Inborn genetic diseases. Last evaluated: 2023-05-08. Review status: criteria provided, single submitter. Criteria: Ambry Variant Classification Scheme 2023. Collection method: clinical testing. Allele origin: germline.

Labcorp Genetics (formerly Invitae), Labcorp
Classification: Uncertain significance. Last evaluated: 2022-08-24. Review status: criteria provided, single submitter. Criteria: Invitae Variant Classification Sherloc (09022015). Collection method: clinical testing. Allele origin: germline.
Comment: In summary, the available evidence is currently insufficient to determine the role of this variant in disease. Therefore, it has been classified as a Variant of Uncertain Significance. Advanced modeling of protein sequence and biophysical properties (such as structural, functional, and spatial information, amino acid conservation, physicochemical variation, residue mobility, and thermodynamic stability) performed at Invitae indicates that this missense variant is not expected to disrupt COL4A2 protein function. This variant has not been reported in the literature in individuals affected with COL4A2-related conditions. This variant is present in population databases (no rsID available, gnomAD 0.002%). This sequence change replaces arginine, which is basic and polar, with serine, which is neutral and polar, at codon 667 of the COL4A2 protein (p.Arg667Ser).

NM_001846.4(COL4A2):c.2001G>C (p.Arg667Ser)

Gene: COL4A2 (collagen type IV alpha 2 chain; plus strand). Cytogenetic location: 13q34.
Variant type: single nucleotide variant.
Coding change: c.2001G>C on transcript NM_001846.4 (MANE Select); coding-DNA position 2001, G replaced by C.
Protein change: p.Arg667Ser; replaces arginine 667 with serine.
Molecular consequence: missense variant.
Genome position (GRCh38, 1-based): chr13:110,466,025, G>C. VCF-style: chr13-110466025-G-C. GRCh37 (hg19) VCF-style: chr13-111118372-G-C.
Other names: c.2001G>C (NM_001846.2); short protein forms R667S.
Identifiers: ClinVar variation 1949405 (VCV001949405.7), dbSNP rs1368120282, ClinGen allele CA388740038.